The following is an entry in ClinVar:

ClinVar aggregate classification (germline): Pathogenic (1 of 4 stars; one submission).

Conditions:
Hereditary cancer-predisposing syndrome. Also called: Tumor predisposition; Hereditary neoplastic syndrome; Neoplastic Syndromes, Hereditary; Hereditary Cancer Syndrome. Identifiers: Orphanet 140162, MedGen C0027672, MeSH D009386, MONDO:0015356.

Submission:

Ambry Genetics
Classification: Pathogenic for Hereditary cancer-predisposing syndrome. Last evaluated: 2018-03-26. Review status: criteria provided, single submitter. Criteria: Ambry Variant Classification Scheme 2023. Collection method: clinical testing. Allele origin: germline.
Comment: The c.1041delG pathogenic mutation, located in coding exon 9 of the BRCA1 gene, results from a deletion of one nucleotide at nucleotide position 1041, causing a translational frameshift with a predicted alternate stop codon (p.C348Vfs*26). This alteration is expected to result in loss of function by premature protein truncation or nonsense-mediated mRNA decay. As such, this alteration is interpreted as a disease-causing mutation.

NM_007294.4(BRCA1):c.1041del (p.Cys348fs)

Gene: BRCA1 (BRCA1 DNA repair associated; minus strand). Cytogenetic location: 17q21.31.
Variant type: Deletion.
Coding change: c.1041del on transcript NM_007294.4 (MANE Select); coding-DNA position 1041, one base deleted (G; older notation c.1041delG).
Protein change: p.Cys348fs; shifts the reading frame from cysteine 348.
Molecular consequence: frameshift variant. On other transcripts: intron variant (137).
Genome position (GRCh38, 1-based): chr17:43,094,490, C deleted on the plus strand (G on the coding strand, the reverse complement: BRCA1 is on the minus strand). VCF-style (leftmost placement, unchanged base first): chr17-43094489-AC-A. GRCh37 (hg19) VCF-style: chr17-41246506-AC-A.
Other names: c.577+254del (NM_001408481.1, NM_001408480.1, NM_001408492.1 and 9 more transcripts); c.778+254del (NM_001408408.1); c.661+254del (NM_001408446.1, NM_001408435.1, NM_001408448.1 and 6 more transcripts); c.784+254del (NM_001408401.1, NM_001408396.1, NM_001407985.1 and 13 more transcripts); c.548-3458del (NM_001408494.1); c.664+254del (NM_001408444.1, NM_001408436.1, NM_001408438.1 and 12 more transcripts); c.1041del, p.Cys348fs (NM_001407618.1, NM_001407619.1, NM_001407620.1 and 30 more transcripts); c.1038del, p.Cys347fs (NM_001407627.1, NM_001407628.1, NM_001407629.1 and 22 more transcripts); and 40 more; short protein forms C301fs, C348fs, C277fs, C278fs, C345fs, C52fs, C220fs, C307fs.
Identifiers: ClinVar variation 818303 (VCV000818303.5), dbSNP rs1597878453, ClinGen allele CA915950139.
Genomic context (GRCh38, chr17:43,094,489, plus strand): 5'-CAGTATCTCTAGGATTCTCTGAGCATGGCAGTTTCTGCTTATTCCATTCTTTTCTCTCAC[AC>A]AGGGGATCAGCATTCAGATCTACCTTTTTTTCTGTGCTGGGAGTCCGCCTATCATTACAT-3'